The following is an entry in ClinVar:

NM_000517.6(HBA2):c.377T>C (p.Leu126Pro)

Genes: HBA2 (hemoglobin subunit alpha 2; plus strand), LOC106804612 (hemoglobin subunit alpha 2 recombination region; plus strand). Cytogenetic location: 16p13.3.
Variant type: single nucleotide variant.
Coding change: c.377T>C on transcript NM_000517.6 (MANE Select); coding-DNA position 377, T replaced by C.
Protein change: p.Leu126Pro; replaces leucine 126 with proline.
Molecular consequence: missense variant.
Genome position (GRCh38, 1-based): chr16:173,548, T>C. VCF-style: chr16-173548-T-C. GRCh37 (hg19) VCF-style: chr16-223547-T-C.
Other names: L125P; Alpha2 Leu125Pro; c.377T>C (NM_000517.5); short protein forms L126P.
Identifiers: ClinVar variation 15630 (VCV000015630.25), dbSNP rs41397847, ClinGen allele CA125557.

ClinVar aggregate classification (germline): Pathogenic/Likely pathogenic. Review status: criteria provided, multiple submitters, no conflicts (2 of 4 stars). 9 submissions from 9 submitters: Pathogenic (6); Likely pathogenic (1). 2 of the submissions do not count toward it. Last evaluated 2026-01-26.

Conditions:
Hemoglobin H disease (HBH). Also called: Hemoglobin H (HbH) Disease; ALPHA-THALASSEMIA, HEMOGLOBIN H TYPE; HEMOGLOBIN H DISEASE, DELETIONAL. Identifiers: Orphanet 93616, MedGen C3161174, MONDO:0013512, OMIM 613978. Disease mechanism: loss of function.
alpha Thalassemia. Also called: Alpha thalassemia spectrum. Identifiers: Orphanet 846, MedGen C0002312, MONDO:0011399, OMIM 604131.
Erythrocytosis, familial, 7. Also called: POLYCYTHEMIA, ALPHA-GLOBIN TYPE; ERYTHROCYTOSIS 7; ERYTHROCYTOSIS, ALPHA-GLOBIN TYPE. Identifiers: MedGen C4693823, MONDO:0054802, OMIM 617981.
Heinz body anemia. Also called: Heinz body hemolytic anemia. Identifiers: Orphanet 178330, MedGen C0700299, MONDO:0007705, OMIM 140700, HP:0005511.
Hemoglobin Quong Sze.

Allele frequency attached by ClinVar (database versions not stated): TOPMed 0.00002; 1000 Genomes Project 30x 0.00016.
gnomAD v4.1: 13 of 1,607,758 alleles (0.00081%); highest among the groups gnomAD compares: East Asian, 0.025%; 1 homozygote.

Submissions (9):

3billion
Classification: Likely pathogenic for alpha Thalassemia. Last evaluated: 2026-01-26. Review status: criteria provided, single submitter. Criteria: ACMG Guidelines, 2015. Collection method: clinical testing. Allele origin: germline. Affected: yes.
Comment: The variant is observed at an extremely low frequency in the gnomAD v4.1.0 dataset (total allele frequency: <0.001%). Predicted Consequence/Location: Missense variant In silico tool predictions suggest damaging effect of the variant on gene or gene product [REVEL: 0.85 (>=0.6, sensitivity 0.68 and specificity 0.92)]. The same nucleotide change resulting in the same amino acid change has been previously reported as pathogenic/likely pathogenic with strong evidence (ClinVar ID: VCV000015630 /PMID: 7070526). Different missense changes at the same codon (p.Leu126Arg, p.Leu126Gln) have been reported as pathogenic/likely pathogenic with strong evidence (ClinVar ID: VCV000015690, VCV000869221 /PMID: 15921163, 20854117 /3billion dataset). Therefore, this variant is classified as Likely pathogenic according to the recommendation of ACMG/AMP guideline.

Natera, Inc.
Classification: Pathogenic for Alpha thalassemia. Last evaluated: 2025-12-17. Review status: criteria provided, single submitter. Criteria: Natera Variant Classification Schema (03/2026). Collection method: clinical testing. Allele origin: germline.
Comment: The c.377T>C variant in HBA2 is a missense variant predicted to cause substitution of leucine to proline at amino acid 126. This variant is rare in the general population with a frequency below the threshold expected for the associated phenotype(s). This variant has been observed in one or more individuals affected with the associated recessive disease, as either homozygous or compound heterozygous with a second variant (PMID: 24261598, 32723194, 34492731). Given the available evidence, this variant is classified as Pathogenic.

ARUP Laboratories, Molecular Genetics and Genomics, ARUP Laboratories
Classification: Pathogenic. Last evaluated: 2025-07-09. Review status: criteria provided, single submitter. Criteria: ARUP Molecular Germline Variant Investigation Process 2024. Collection method: clinical testing. Allele origin: germline.
Comment: The Hb Quong Sze variant (HBA2: c.377T>C; p.Leu126Pro, also known as Leu125Pro when numbered from the mature protein, rs41397847, HbVar ID: 187) is reported in the literature in multiple Chinese individuals and families affected with alpha thalassemia (see link to HbVar and references therein). This variant has been observed in the heterozygous state in individuals with a clinical presentation resembling alpha-thalassemia trait, and in the compound heterozygous state with other pathogenic hemoglobin variants in individuals affected with hemoglobin H disease (Ahmad 2013, Goossens 1982, He 2017, Li 2011, Li 2015, Liang 1994, Liao 2009, Shang 2017, Zhou 2016). In vitro/in vivo functional analyses demonstrate that the variant protein is turned over rapidly and interferes with the formation of hemoglobin tetramers (Liebhaber 1983). This variant is reported in ClinVar (Variation ID: 15630). This variant is found in the East Asian population with an overall allele frequency of 0.08% (13/18322 alleles, including a single homozygote) in the Genome Aggregation Database. Additionally, other variants at this codon Hb West-Einde (HbVar ID: 2592), and Hb Plasencia (HbVar ID: 1226) have been reported in individuals with mild to moderate anemia, microcytosis, and hypochromia (see links to HbVar and references therein). The leucine at codon 126 is weakly conserved, but computational analyses predict that this variant is deleterious (REVEL: 0.854). Based on available information, this variant is considered to be pathogenic. References: Link to HbVar: Ahmad R et al. Distribution of alpha thalassaemia gene variants in diverse ethnic populations in malaysia: data from the institute for medical research. Int J Mol Sci. 2013 Sep 10;14(9):18599-614. PMID: 24025420 Goossens M et al. Globin structural mutant alpha 125Leu leads to Pro is a novel cause of alpha-thalassaemia. Nature. 1982 Apr 29;296(5860):864-5. PMID: 7070526 He J et al. Next-generation sequencing improves thalassemia carrier screening among premarital adults in a high prevalence population: the Dai nationality, China. Genet Med. 2017 Sep;19(9):1022-1031. PMID: 28125089 Li J et al. Phenotypic variability in a chinese family with nondeletional Hb H-Hb Quong Sze disease. Hemoglobin. 2011;35(4):430-3. PMID: 21797711 Li J et al. Identification of nondeletional a-thalassemia in a prenatal screening program by reverse dot-blot in southern China. Hemoglobin. 2015;39(1):42-5. PMID: 25523870 Liang R et al. Alpha and beta thalassaemia among Chinese children in Guangxi Province, P.R. China: molecular and haematological characterization. Br J Haematol. 1994 Feb;86(2):351-4. PMID: 7515267 Liao C et al. Diversity in clinical presentation of hemoglobin H disease induced by the SEA deletion and the hemoglobin Quong Sze. Ann Hematol. 2009 Nov;88(11):1145-7. PMID: 19259674 Liebhaber SA et al. alpha-Thalassemia caused by an unstable alpha-globin mutant. J Clin Invest. 1983 Mar;71(3):461-6. PMID: 6826718 Shang X et al. Rapid Targeted Next-Generation Sequencing Platform for Molecular Screening and Clinical Genotyping in Subjects with Hemoglobinopathies. EBioMedicine. 2017 Sep;23:150-159. PMID: 28865746 Zhou JY et al. First Case of a Compound Heterozygosity for Two Nondeletional a-Thalassemia mutations, Hb Constant Spring and Hb Quong Sze. Hemoglobin. 2016 Jun;40(3):210-2. PMID: 26956449

Fulgent Genetics
Classification: Pathogenic for Heinz body anemia; alpha Thalassemia; Hemoglobin H disease; Erythrocytosis, familial, 7. Last evaluated: 2024-06-13. Review status: criteria provided, single submitter. Criteria: ACMG Guidelines, 2015. Collection method: clinical testing. Allele origin: germline.

GeneDx
Classification: Pathogenic. Last evaluated: 2024-02-16. Review status: criteria provided, single submitter. Criteria: GeneDx Variant Classification Process June 2021. Collection method: clinical testing. Allele origin: germline. Affected: yes.
Comment: Also known as Hb Quong Sze, Hb QS, p.L125P; In silico analysis supports that this missense variant has a deleterious effect on protein structure/function; Published functional studies demonstrate a damaging effect and results in an unstable hemoglobin alpha molecule (PMID: 6826718); This variant is associated with the following publications: (PMID: 7070526, 34334003, 36059093, 32830468, 36900038, 26956449, 22589661, 28674233, 21797711, 1726096, 909565, 30275481, 19259674, 31553106, 25523870, 38123349, 24081251, 32811243, 28865746, 7515267, 23383304, SuwannasingS2016[Article], 32436451, 38112059, 32473995, 36685902, 24985555, 20144601, 32338097, 28125089, 11325652, Vijian2022[Review], 31111755, 24826791, WidyastitiNS2019[Article], 25352644, 6826718)

Quest Diagnostics Nichols Institute San Juan Capistrano
Classification: Pathogenic. Last evaluated: 2023-04-14. Review status: criteria provided, single submitter. Criteria: Quest Diagnostics criteria. Collection method: clinical testing. Allele origin: unknown.
Comment: The c.377T>C (p.Leu126Pro) pathogenic variant (also known as Hb Quong Sze) is reported as being highly unstable (PMID: 6826718 (1983), 1726096 (1991)). The frequency of this variant in the general population, 0.00071 (13/18322 chromosomes), is uninformative in assessment of its pathogenicity. In the published literature, the variant has been reported in individuals who are compound heterozygous for this pathogenic variant and a large deletion that removes both of the alpha-globin genes from the alpha-globin gene cluster (e.g., the --SEA alpha-globin deletion) are reported as being affected by Hb H disease (PMID: 7070526 (1982), 7515267 (1994), 19259674 (2009)).

Juno Genomics, Hangzhou Juno Genomics, Inc
Classification: Pathogenic for Erythrocytosis, familial, 7; Heinz body anemia; Hemoglobin H disease; alpha Thalassemia. Review status: criteria provided, single submitter. Criteria: ACMG Guidelines, 2015. Collection method: clinical testing. Allele origin: germline.
Comment: For recessive disorders, detected in trans with a pathogenic variant.;Multiple lines of computational evidence support a deleterious effect on the gene or gene product.;Novel missense change at an amino acid residue where a different missense change determined to be pathogenic has been seen before.

OMIM
Classification: other for HEMOGLOBIN QUONG SZE. Last evaluated: 2013-03-28. Review status: no assertion criteria provided. Collection method: literature only. Allele origin: germline. Not counted in ClinVar's aggregate classification.

GeneReviews
No classification provided. Condition: alpha Thalassemia. Review status: no classification provided. Collection method: literature only. Allele origin: germline. Not counted in ClinVar's aggregate classification.

Literature cited by the submitters: PubMed 15921163 (cited by 3billion); PubMed 7070526 (cited by 3 submitters); PubMed 24261598 (cited by Natera, Inc.); PubMed 32723194 (cited by Natera, Inc.); PubMed 34492731 (cited by Natera, Inc.); PubMed 21797711 (cited by Quest Diagnostics Nichols Institute San Juan Capistrano); PubMed 25523870 (cited by Quest Diagnostics Nichols Institute San Juan Capistrano); PubMed 19259674 (cited by Quest Diagnostics Nichols Institute San Juan Capistrano); PubMed 26956449 (cited by Quest Diagnostics Nichols Institute San Juan Capistrano); PubMed 28125089 (cited by Quest Diagnostics Nichols Institute San Juan Capistrano); PubMed 6826718 (cited by Quest Diagnostics Nichols Institute San Juan Capistrano); PubMed 1726096 (cited by Quest Diagnostics Nichols Institute San Juan Capistrano and OMIM); PubMed 7515267 (cited by Quest Diagnostics Nichols Institute San Juan Capistrano); PubMed 31553106 (cited by Quest Diagnostics Nichols Institute San Juan Capistrano); PubMed 31286593 (cited by Quest Diagnostics Nichols Institute San Juan Capistrano); PubMed 30275481 (cited by Quest Diagnostics Nichols Institute San Juan Capistrano); NCBI Bookshelf NBK1435 (cited by GeneReviews).